The following is an entry in ClinVar:

NM_138711.6(PPARG):c.1415dup (p.Asp473fs)

Gene: PPARG (peroxisome proliferator activated receptor gamma; plus strand). Cytogenetic location: 3p25.2.
Variant type: Duplication.
Coding change: c.1415dup on transcript NM_138711.6 (MANE Select); coding-DNA position 1415, one base duplicated (A; older notation c.1415dupA).
Protein change: p.Asp473fs; shifts the reading frame from aspartic acid 473.
Molecular consequence: frameshift variant. On other transcripts: 3 prime UTR variant (5).
Genome position (GRCh38, 1-based): chr3:12,434,132, A duplicated; the last of 2 consecutive A bases (chr3:12,434,131-12,434,132); duplicating either gives the same sequence. VCF-style (leftmost placement, unchanged base first): chr3-12434130-C-CA. GRCh37 (hg19) VCF-style: chr3-12475629-C-CA.
Other names: c.*217dup (NM_001330615.4, NM_001374261.3, NM_001374262.3 and 1 more transcripts); c.1415dup, p.Asp473fs (NM_001354666.3, NM_001354667.3, NM_001374263.2 and 3 more transcripts); c.788dup, p.Asp264fs (NM_001354669.2); c.*201dup (NM_001374266.1); c.1505dup, p.Asp503fs (NM_015869.5); short protein forms D264fs, D473fs, D503fs.
Identifiers: ClinVar variation 3371895 (VCV003371895.1).

ClinVar aggregate classification (germline): Uncertain significance (1 of 4 stars; one submission).

Submission:

GeneDx
Classification: Uncertain significance. Last evaluated: 2024-04-09. Review status: criteria provided, single submitter. Criteria: GeneDx Variant Classification Process June 2021. Collection method: clinical testing. Allele origin: germline. Affected: yes.
Comment: Not observed at significant frequency in large population cohorts (gnomAD); Frameshift variant predicted to result in abnormal protein length as the last 3 amino acids are replaced with 28 different amino acids; Has not been previously published as pathogenic or benign to our knowledge